The following is an entry in ClinVar:

ClinVar aggregate classification (germline): Uncertain significance. Review status: criteria provided, multiple submitters, no conflicts (2 of 4 stars). 2 submissions from 2 submitters: Uncertain significance (2). Last evaluated 2024-07-03.

Conditions:
Inclusion body myopathy with early-onset Paget disease with or without frontotemporal dementia 2 (IBMPFD2). Also called: MULTISYSTEM PROTEINOPATHY 2. Identifiers: MedGen C3809468, MONDO:0014178, OMIM 615422.

gnomAD v4.1: 5 of 1,590,570 alleles (0.00031%); highest among the groups gnomAD compares: African/African-American, 0.0068%; no homozygotes.

Submissions (2):

GeneDx
Classification: Uncertain significance. Last evaluated: 2024-07-03. Review status: criteria provided, single submitter. Criteria: GeneDx Variant Classification Process June 2021. Collection method: clinical testing. Allele origin: germline. Affected: yes.
Comment: Not observed at significant frequency in large population cohorts (gnomAD); In silico analysis indicates that this missense variant does not alter protein structure/function; Has not been previously published as pathogenic or benign to our knowledge

Labcorp Genetics (formerly Invitae), Labcorp
Classification: Uncertain significance for Inclusion body myopathy with early-onset Paget disease with or without frontotemporal dementia 2. Last evaluated: 2024-01-31. Review status: criteria provided, single submitter. Criteria: Invitae Variant Classification Sherloc (09022015). Collection method: clinical testing. Allele origin: germline.
Comment: This sequence change replaces lysine, which is basic and polar, with arginine, which is basic and polar, at codon 3 of the HNRNPA2B1 protein (p.Lys3Arg). This variant is not present in population databases (gnomAD no frequency). This variant has not been reported in the literature in individuals affected with HNRNPA2B1-related conditions. An algorithm developed to predict the effect of missense changes on protein structure and function (PolyPhen-2) suggests that this variant is likely to be tolerated. In summary, the available evidence is currently insufficient to determine the role of this variant in disease. Therefore, it has been classified as a Variant of Uncertain Significance.

NM_002137.4(HNRNPA2B1):c.7-133A>G

Gene: HNRNPA2B1 (heterogeneous nuclear ribonucleoprotein A2/B1; minus strand). Cytogenetic location: 7p15.2.
Variant type: single nucleotide variant.
Coding change: c.7-133A>G on transcript NM_002137.4 (MANE Select); 133 bases into the intron before coding-DNA position 7, A replaced by G.
Molecular consequence: intron variant. On other transcripts: missense variant (1).
Genome position (GRCh38, 1-based): chr7:26,197,865, T>C on the plus strand (A>G on the coding strand, the complement: HNRNPA2B1 is on the minus strand). VCF-style: chr7-26197865-T-C. GRCh37 (hg19) VCF-style: chr7-26237485-T-C.
Other names: c.8A>G, p.Lys3Arg (NM_031243.4); short protein forms K3R.
Identifiers: ClinVar variation 3393559 (VCV003393559.3).